The following is an entry in ClinVar:

ClinVar aggregate classification (germline): Uncertain significance (1 of 4 stars; one submission).

Conditions:
Brugada syndrome 8 (BRGDA8). Identifiers: Orphanet 130, MedGen C2751083, MONDO:0013148, OMIM 613123.

Submission:

Labcorp Genetics (formerly Invitae), Labcorp
Classification: Uncertain significance for Brugada syndrome 8. Last evaluated: 2022-06-19. Review status: criteria provided, single submitter. Criteria: Invitae Variant Classification Sherloc (09022015). Collection method: clinical testing. Allele origin: germline.
Comment: In summary, the available evidence is currently insufficient to determine the role of this variant in disease. Therefore, it has been classified as a Variant of Uncertain Significance. Advanced modeling of protein sequence and biophysical properties (such as structural, functional, and spatial information, amino acid conservation, physicochemical variation, residue mobility, and thermodynamic stability) performed at Invitae indicates that this missense variant is not expected to disrupt HCN4 protein function. This variant has not been reported in the literature in individuals affected with HCN4-related conditions. This variant is not present in population databases (gnomAD no frequency). This sequence change replaces proline, which is neutral and non-polar, with leucine, which is neutral and non-polar, at codon 962 of the HCN4 protein (p.Pro962Leu).

NM_005477.3(HCN4):c.2885C>T (p.Pro962Leu)

Gene: HCN4 (hyperpolarization activated cyclic nucleotide gated potassium channel 4; minus strand). Cytogenetic location: 15q24.1.
Variant type: single nucleotide variant.
Coding change: c.2885C>T on transcript NM_005477.3 (MANE Select); coding-DNA position 2885, C replaced by T.
Protein change: p.Pro962Leu; replaces proline 962 with leucine.
Molecular consequence: missense variant.
Genome position (GRCh38, 1-based): chr15:73,323,208, G>A on the plus strand (C>T on the coding strand, the complement: HCN4 is on the minus strand). VCF-style: chr15-73323208-G-A. GRCh37 (hg19) VCF-style: chr15-73615549-G-A.
Other names: short protein forms P962L.
Identifiers: ClinVar variation 2008533 (VCV002008533.4), dbSNP rs2549068476, ClinGen allele CA393087094.